The following is an entry in ClinVar:

ClinVar aggregate classification (germline): Uncertain significance (1 of 4 stars; one submission).

Conditions:
Candidiasis, familial, 8 (CANDF8). Identifiers: Orphanet 1334, MedGen C3714992, MONDO:0014230, OMIM 615527.

Allele frequency attached by ClinVar (database versions not stated): ExAC 0.00001; gnomAD 0.00001; gnomAD exomes 0.00001; TOPMed 0.00001.
gnomAD v4.1: 19 of 1,614,060 alleles (0.0012%); highest among the groups gnomAD compares: Non-Finnish European, 0.0014%; no homozygotes.

Submission:

Labcorp Genetics (formerly Invitae), Labcorp
Classification: Uncertain significance for Candidiasis, familial, 8. Last evaluated: 2022-10-17. Review status: criteria provided, single submitter. Criteria: Invitae Variant Classification Sherloc (09022015). Collection method: clinical testing. Allele origin: germline.
Comment: This sequence change replaces arginine, which is basic and polar, with cysteine, which is neutral and slightly polar, at codon 137 of the TRAF3IP2 protein (p.Arg137Cys). This variant is present in population databases (rs755092394, gnomAD 0.004%). This variant has not been reported in the literature in individuals affected with TRAF3IP2-related conditions. ClinVar contains an entry for this variant (Variation ID: 1041546). Advanced modeling of protein sequence and biophysical properties (such as structural, functional, and spatial information, amino acid conservation, physicochemical variation, residue mobility, and thermodynamic stability) performed at Invitae indicates that this missense variant is not expected to disrupt TRAF3IP2 protein function. In summary, the available evidence is currently insufficient to determine the role of this variant in disease. Therefore, it has been classified as a Variant of Uncertain Significance.

NM_147686.4(TRAF3IP2):c.409C>T (p.Arg137Cys)

Genes: TRAF3IP2 (TRAF3 interacting protein 2; minus strand), TRAF3IP2-AS1 (TRAF3IP2 antisense RNA 1; plus strand), LOC114803478 (TRAF3IP2 eExon liver enhancer; plus strand). Cytogenetic location: 6q21.
Variant type: single nucleotide variant.
Coding change: c.409C>T on transcript NM_147686.4 (MANE Select); coding-DNA position 409, C replaced by T.
Protein change: p.Arg137Cys; replaces arginine 137 with cysteine.
Molecular consequence: missense variant.
Genome position (GRCh38, 1-based): chr6:111,591,678, G>A on the plus strand (C>T on the coding strand, the complement: TRAF3IP2 is on the minus strand). VCF-style: chr6-111591678-G-A. GRCh37 (hg19) VCF-style: chr6-111912881-G-A.
Other names: c.409C>T, p.Arg137Cys (NM_001164281.3); c.436C>T, p.Arg146Cys (NM_147200.3); short protein forms R137C, R146C.
Identifiers: ClinVar variation 1041546 (VCV001041546.6), dbSNP rs755092394, ClinGen allele CA3963331.